The following is an entry in ClinVar:

ClinVar aggregate classification (germline): Benign/Likely benign. Review status: criteria provided, multiple submitters, no conflicts (2 of 4 stars). 6 submissions from 6 submitters: Benign (1); Likely benign (4). 1 of the submissions does not count toward it. Last evaluated 2026-01-20.

Conditions:
ITGA7-related disorder. Also called: ITGA7-related condition.
Congenital muscular dystrophy due to integrin alpha-7 deficiency. Also called: Congenital muscular dystrophy with integrin alpha-7 deficiency; Muscular dystrophy, congenital, due to ITGA7 deficiency; MYOPATHY, CONGENITAL, DUE TO INTEGRIN ALPHA-7 DEFICIENCY. Identifiers: Orphanet 34520, MedGen C2750786, MONDO:0013177, OMIM 613204.

Allele frequency attached by ClinVar (database versions not stated): gnomAD exomes 0.00020 and 0.00057; ExAC 0.00082; gnomAD 0.00233 and 0.00252; ESP Exome Variant Server 0.00246; TOPMed 0.00268; 1000 Genomes Project 30x 0.00297; 1000 Genomes Project 0.00319.
gnomAD v4.1: 660 of 1,614,186 alleles (0.041%); highest among the groups gnomAD compares: African/African-American, 0.78%; 2 homozygotes.

Submissions (6):

Labcorp Genetics (formerly Invitae), Labcorp
Classification: Benign for Congenital muscular dystrophy due to integrin alpha-7 deficiency. Last evaluated: 2026-01-20. Review status: criteria provided, single submitter. Criteria: Invitae Variant Classification Sherloc (09022015). Collection method: clinical testing. Allele origin: germline.

Blueprint Genetics
Classification: Likely benign. Last evaluated: 2024-10-24. Review status: criteria provided, single submitter. Criteria: ACMG Guidelines, 2015. Collection method: clinical testing. Allele origin: germline.

GeneDx
Classification: Likely benign. Last evaluated: 2020-10-29. Review status: criteria provided, single submitter. Criteria: GeneDx Variant Classification Process June 2021. Collection method: clinical testing. Allele origin: germline. Affected: yes.

Eurofins Ntd Llc (ga)
Classification: Likely benign. Last evaluated: 2018-05-15. Review status: criteria provided, single submitter. Criteria: EGL ClinVar v180209 classification definitions. Collection method: clinical testing. Allele origin: germline. Observed: 1 variant allele, 1 heterozygote.

CeGaT Center for Human Genetics Tuebingen
Classification: Likely benign. Last evaluated: 2017-12-01. Review status: criteria provided, single submitter. Criteria: CeGaT Center For Human Genetics Tuebingen Variant Classification Criteria Version 2. Collection method: clinical testing. Allele origin: germline. Affected: yes. Observed: 1 variant allele.

PreventionGenetics, part of Exact Sciences
Classification: Benign for ITGA7-related condition. Last evaluated: 2023-12-27. Review status: no assertion criteria provided. Collection method: clinical testing. Allele origin: germline. Not counted in ClinVar's aggregate classification.
Comment: This variant is classified as benign based on ACMG/AMP sequence variant interpretation guidelines (Richards et al. 2015 PMID: 25741868, with internal and published modifications).

NM_002206.3(ITGA7):c.3058-6C>T

Gene: ITGA7 (integrin subunit alpha 7; minus strand). Cytogenetic location: 12q13.2.
Variant type: single nucleotide variant.
Coding change: c.3058-6C>T on transcript NM_002206.3 (MANE Select); 6 bases into the intron before coding-DNA position 3058, C replaced by T.
Molecular consequence: intron variant.
Genome position (GRCh38, 1-based): chr12:55,688,102, G>A on the plus strand (C>T on the coding strand, the complement: ITGA7 is on the minus strand). VCF-style: chr12-55688102-G-A. GRCh37 (hg19) VCF-style: chr12-56081886-G-A.
Other names: c.2779-6C>T (NM_001144997.2); c.2731-6C>T (NM_001367993.1); c.2719-6C>T (NM_001414035.1); c.2875-6C>T (NM_001414033.1); c.1714-6C>T (NM_001367994.1); c.2938-6C>T (NM_001414032.1); c.2971-6C>T (NM_001414031.1); c.3040-6C>T (NM_001374465.1); and 5 more.
Identifiers: ClinVar variation 387004 (VCV000387004.66), dbSNP rs201070308, ClinGen allele CA6615353.